The following is an entry in ClinVar:

NM_002691.4(POLD1):c.963C>T (p.Gly321=)

Gene: POLD1 (DNA polymerase delta 1, catalytic subunit; plus strand). Cytogenetic location: 19q13.33.
Variant type: single nucleotide variant.
Coding change: c.963C>T on transcript NM_002691.4 (MANE Select); coding-DNA position 963, C replaced by T.
Protein change: p.Gly321=; no amino-acid change (glycine 321 retained).
Molecular consequence: synonymous variant. On other transcripts: non-coding transcript variant (1).
Genome position (GRCh38, 1-based): chr19:50,402,734, C>T. VCF-style: chr19-50402734-C-T. GRCh37 (hg19) VCF-style: chr19-50905991-C-T.
Other names: c.963C>T, p.Gly321= (NM_001256849.1, NM_001308632.1).
Identifiers: ClinVar variation 1564670 (VCV001564670.11), dbSNP rs2122260840, ClinGen allele CA508182216.

ClinVar aggregate classification (germline): Benign/Likely benign. Review status: criteria provided, multiple submitters, no conflicts (2 of 4 stars). 3 submissions from 3 submitters: Benign (1); Likely benign (2). Last evaluated 2025-02-05.

Conditions:
Hereditary cancer-predisposing syndrome. Also called: Hereditary Cancer Syndrome; Hereditary neoplastic syndrome; Neoplastic Syndromes, Hereditary; Tumor predisposition. Identifiers: Orphanet 140162, MedGen C0027672, MeSH D009386, MONDO:0015356.
POLD1-related polyposis and colorectal cancer syndrome (CRCS10). Also called: Colorectal cancer 10; COLORECTAL CANCER, SUSCEPTIBILITY TO, ON CHROMOSOME 19q; Colorectal cancer, susceptibility to, 10. Identifiers: Orphanet 220460, MedGen C2675481, MONDO:0012953, OMIM 612591.

Submissions (3):

Myriad Genetics, Inc.
Classification: Benign for POLD1-related polyposis and colorectal cancer syndrome. Last evaluated: 2025-02-05. Review status: criteria provided, single submitter. Criteria: Myriad Autosomal Dominant, Autosomal Recessive and X-Linked Classification Criteria (2023). Collection method: clinical testing. Allele origin: unknown.
Comment: This variant is considered benign. This variant is a silent/synonymous amino acid change and it is not expected to impact splicing.

Labcorp Genetics (formerly Invitae), Labcorp
Classification: Likely benign for POLD1-related polyposis and colorectal cancer syndrome. Last evaluated: 2023-10-04. Review status: criteria provided, single submitter. Criteria: Invitae Variant Classification Sherloc (09022015). Collection method: clinical testing. Allele origin: germline.

Ambry Genetics
Classification: Likely benign for Hereditary cancer-predisposing syndrome. Last evaluated: 2019-05-19. Review status: criteria provided, single submitter. Criteria: Ambry Variant Classification Scheme 2023. Collection method: clinical testing. Allele origin: germline.